The following is an entry in ClinVar:

NM_001278716.2(FBXL4):c.216C>T (p.Ser72=)

Gene: FBXL4 (F-box and leucine rich repeat protein 4; minus strand). Cytogenetic location: 6q16.2.
Variant type: single nucleotide variant.
Coding change: c.216C>T on transcript NM_001278716.2 (MANE Select); coding-DNA position 216, C replaced by T.
Protein change: p.Ser72=; no amino-acid change (serine 72 retained).
Molecular consequence: synonymous variant. On other transcripts: non-coding transcript variant (2).
Genome position (GRCh38, 1-based): chr6:98,926,773, G>A on the plus strand (C>T on the coding strand, the complement: FBXL4 is on the minus strand). VCF-style: chr6-98926773-G-A. GRCh37 (hg19) VCF-style: chr6-99374649-G-A.
Other names: c.216C>T, p.Ser72= (NM_012160.5).
Identifiers: ClinVar variation 437552 (VCV000437552.1), dbSNP rs769167772, ClinGen allele CA3933719.
Genomic context (GRCh38, chr6:98,926,773, plus strand): 5'-AGTAAAGTCACCAGAACTTGGGAATACATTTGGTACACCAGCCAAATTCCACATAGTATA[G>A]GACATACTATTCTCACTTCCATAATGGGAACTGAAATCCACTACTTCTTTGGCATACTGG-3'
Protein context (NP_001265645.1, residues 62-82): SSHYGSENSM[Ser72=]YTMWNLAGVP

ClinVar aggregate classification (germline): Uncertain significance (1 of 4 stars; one submission).

Conditions:
Mitochondrial DNA depletion syndrome 13. Also called: FBXL4-Related Encephalomyopathic Mitochondrial DNA Depletion Syndrome; Mitochondrial DNA depletion syndrome 13 (encephalomyopathic type). Identifiers: Orphanet 369897, MedGen C3809592, MONDO:0014198, OMIM 615471.

Allele frequency attached by ClinVar (database versions not stated): gnomAD exomes below 0.00001; ExAC 0.00001.
gnomAD v4.1: 1 of 1,613,956 alleles (0.000062%); highest among the groups gnomAD compares: South Asian, 0.0011%; no homozygotes.

Submission:

Wong Mito Lab, Molecular and Human Genetics, Baylor College of Medicine
Classification: Uncertain significance for Mitochondrial DNA depletion syndrome 13. Last evaluated: 2017-08-10. Review status: criteria provided, single submitter. Criteria: ACMG Guidelines, 2015. Collection method: reference population. Allele origin: germline.
Comment: The NM_012160.4:c.216C>T (NP_036292.2:p.Ser72=) [GRCH38: NC_000006.12:g.98926773G>A] variant in FBXL4 gene is interpretated to be a Uncertain Significance - Conflicting Evidence based on ACMG guidelines (PMID: 25741868). This variant meets one or more of the following evidence codes reported in the ACMG-guideline. PM2:This variant is absent in key population databases. BP4:Computational evidence/predictors indicate no impact on the FBXL4 structure, function, or protein-protein interaction. BP7:The variant is silent with non predicted splice impact. Based on this evidence code ClinGen Pathogenicity Calculator (PMID:28081714) suggested that the variant is Uncertain Significance - Conflicting Evidence.